The following is an entry in ClinVar:

ClinVar aggregate classification (germline): Uncertain significance (1 of 4 stars; one submission).

Conditions:
Inborn genetic diseases. Identifiers: MedGen C0950123, MeSH D030342.

Submission:

Ambry Genetics
Classification: Uncertain significance for Inborn genetic diseases. Last evaluated: 2026-03-31. Review status: criteria provided, single submitter. Criteria: Ambry Variant Classification Scheme 2023. Collection method: clinical testing. Allele origin: germline.
Comment: The p.H723Y variant (also known as c.2167C>T), located in coding exon 1 of the SAMD9L gene, results from a C to T substitution at nucleotide position 2167. The histidine at codon 723 is replaced by tyrosine, an amino acid with similar properties. This amino acid position is conserved. In addition, this alteration is predicted to be tolerated by in silico analysis. Based on the available evidence, the clinical significance of this variant remains unclear.

NM_152703.5(SAMD9L):c.2167C>T (p.His723Tyr)

Gene: SAMD9L (sterile alpha motif domain containing 9 like; minus strand). Cytogenetic location: 7q21.2.
Variant type: single nucleotide variant.
Coding change: c.2167C>T on transcript NM_152703.5 (MANE Select); coding-DNA position 2167, C replaced by T.
Protein change: p.His723Tyr; replaces histidine 723 with tyrosine.
Molecular consequence: missense variant.
Genome position (GRCh38, 1-based): chr7:93,133,805, G>A on the plus strand (C>T on the coding strand, the complement: SAMD9L is on the minus strand). VCF-style: chr7-93133805-G-A. GRCh37 (hg19) VCF-style: chr7-92763118-G-A.
Other names: c.2167C>T, p.His723Tyr (NM_001303500.3, NM_001350082.2, NM_001350083.2 and 5 more transcripts); short protein forms H723Y.
Identifiers: ClinVar variation 4863923 (VCV004863923.1).